The following is an entry in ClinVar:

NM_000530.8(MPZ):c.405_407del (p.Ile135_Val136delinsMet)

Gene: MPZ (myelin protein zero; minus strand). Cytogenetic location: 1q23.3.
Variant type: Deletion.
Coding change: c.405_407del on transcript NM_000530.8 (MANE Select); coding-DNA positions 405 to 407, 3 bases deleted (AGT; older notation c.405_407delAGT).
Protein change: p.Ile135_Val136delinsMet.
Molecular consequence: inframe indel.
Genome position (GRCh38, 1-based): chr1:161,306,749-161,306,751, ACT deleted on the plus strand (AGT on the coding strand, the reverse complement: MPZ is on the minus strand); deleting any 3 consecutive bases within chr1:161,306,749-161,306,752 gives the same sequence; the c. name uses the placement nearest the transcript's 3' end. VCF-style (leftmost placement, unchanged base first): chr1-161306748-CACT-C. GRCh37 (hg19) VCF-style: chr1-161276538-CACT-C.
Other names: c.405_407del (LRG_256t1); c.405_407del, p.Ile135_Val136delinsMet (NM_001315491.2).
Identifiers: ClinVar variation 531696 (VCV000531696.1), dbSNP rs1553259646, ClinGen allele CA658795556.

ClinVar aggregate classification (germline): Uncertain significance (1 of 4 stars; one submission).

Conditions:
Charcot-Marie-Tooth disease, type I (CMT1). Also called: Charcot-Marie-Tooth disease type 1; Charcot-Marie-Tooth, Type 1. Identifiers: Orphanet 65753, MedGen C0751036, MONDO:0019011.

Submission:

Labcorp Genetics (formerly Invitae), Labcorp
Classification: Uncertain significance for Charcot-Marie-Tooth disease, type I. Last evaluated: 2017-10-30. Review status: criteria provided, single submitter. Criteria: Invitae Variant Classification Sherloc (09022015). Collection method: clinical testing. Allele origin: germline.
Comment: This variant, c.405_407delAGT, results in the deletion of 1 amino acid of the MPZ protein (p.Ile135_Val136delinsMet), but otherwise preserves the integrity of the reading frame. This variant is not present in population databases (ExAC no frequency). This variant has not been reported in the literature in individuals with MPZ-related disease. Experimental studies and prediction algorithms are not available for this variant, and the functional significance of the deleted amino acid is currently unknown. Different missense substitutions at these codons (p.Ile135Thr, p.Ile135Met, p.Ile135Leu, p.Val136Glu) have been reported in individuals and families affected with Dejerine-Sottas syndrome and Charcot-Marie-Tooth disease (PMID: 11835375, 22018721, 8664899, 8797476). This suggests that the isoleucine and valine residues are critical for MPZ protein function and that a deletion of these codons may also be pathogenic. In summary, the available evidence is currently insufficient to determine the role of this variant in disease. Therefore, it has been classified as a Variant of Uncertain Significance.

Literature cited by the submitters: PubMed 11835375; PubMed 8797476; PubMed 22018721; PubMed 8664899.